The following is an entry in ClinVar:

NM_033026.6(PCLO):c.14153A>G (p.Asn4718Ser)

Gene: PCLO (piccolo presynaptic cytomatrix protein; minus strand). Cytogenetic location: 7q21.11.
Variant type: single nucleotide variant.
Coding change: c.14153A>G on transcript NM_033026.6 (MANE Select); coding-DNA position 14153, A replaced by G.
Protein change: p.Asn4718Ser; replaces asparagine 4718 with serine.
Molecular consequence: missense variant.
Genome position (GRCh38, 1-based): chr7:82,838,287, T>C on the plus strand (A>G on the coding strand, the complement: PCLO is on the minus strand). VCF-style: chr7-82838287-T-C. GRCh37 (hg19) VCF-style: chr7-82467603-T-C.
Other names: c.14153A>G (NM_033026.5); c.14153A>G, p.Asn4718Ser (NM_014510.3); short protein forms N4718S.
Identifiers: ClinVar variation 1924057 (VCV001924057.3), dbSNP rs772848156, ClinGen allele CA4318914.
Genomic context (GRCh38, chr7:82,838,287, plus strand): 5'-GGAAGAAGGTACACTTTCACAAAAGGGTCAGAATAACCATTGTTGTCTCGAGGAACAAGA[T>C]TTCTTGCTTGGAGAATATGTATTATGAGATTTCCAAGATCATAGTTAATTTGAAGCTTTA-3'
Protein context (NP_149015.2, residues 4708-4728): NLIIHILQAR[Asn4718Ser]LVPRDNNGYS

ClinVar aggregate classification (germline): Uncertain significance. Review status: criteria provided, multiple submitters, no conflicts (2 of 4 stars). 2 submissions from 2 submitters: Uncertain significance (2). Last evaluated 2025-08-24.

Conditions:
Inborn genetic diseases. Identifiers: MedGen C0950123, MeSH D030342.

Allele frequency attached by ClinVar (database versions not stated): gnomAD 0.00002; ExAC 0.00004; TOPMed 0.00005.
gnomAD v4.1: 7 of 1,572,190 alleles (0.00045%); highest among the groups gnomAD compares: African/African-American, 0.0094%; no homozygotes.

Submissions (2):

Ambry Genetics
Classification: Uncertain significance for Inborn genetic diseases. Last evaluated: 2025-08-24. Review status: criteria provided, single submitter. Criteria: Ambry Variant Classification Scheme 2023. Collection method: clinical testing. Allele origin: germline.

Labcorp Genetics (formerly Invitae), Labcorp
Classification: Uncertain significance. Last evaluated: 2022-06-22. Review status: criteria provided, single submitter. Criteria: Invitae Variant Classification Sherloc (09022015). Collection method: clinical testing. Allele origin: germline.
Comment: This sequence change replaces asparagine, which is neutral and polar, with serine, which is neutral and polar, at codon 4718 of the PCLO protein (p.Asn4718Ser). This variant is present in population databases (rs772848156, gnomAD 0.02%). This variant has not been reported in the literature in individuals affected with PCLO-related conditions. Algorithms developed to predict the effect of missense changes on protein structure and function are either unavailable or do not agree on the potential impact of this missense change (SIFT: "Deleterious"; PolyPhen-2: "Not Available"; Align-GVGD: "Class C0"). In summary, the available evidence is currently insufficient to determine the role of this variant in disease. Therefore, it has been classified as a Variant of Uncertain Significance.